The following is an entry in ClinVar:

ClinVar aggregate classification (germline): Uncertain significance (1 of 4 stars; one submission).

Conditions:
Cardiac malformation, cleft lip/palate, microcephaly, and digital anomalies. Also called: CLEFT PALATE, CARDIAC DEFECTS, AND IMPAIRED INTELLECTUAL DEVELOPMENT. Identifiers: MedGen C1832950, MONDO:0010970, OMIM 600987.

Allele frequency attached by ClinVar (database versions not stated): gnomAD 0.00001; gnomAD exomes 0.00001 and 0.00002; ExAC 0.00002; TOPMed 0.00002; ESP Exome Variant Server 0.00008.
gnomAD v4.1: 10 of 1,613,764 alleles (0.00062%); highest among the groups gnomAD compares: South Asian, 0.0033%; no homozygotes.

Submission:

Labcorp Genetics (formerly Invitae), Labcorp
Classification: Uncertain significance for Cardiac malformation, cleft lip/palate, microcephaly, and digital anomalies. Last evaluated: 2020-09-17. Review status: criteria provided, single submitter. Criteria: Invitae Variant Classification Sherloc (09022015). Collection method: clinical testing. Allele origin: germline.
Comment: In summary, the available evidence is currently insufficient to determine the role of this variant in disease. Therefore, it has been classified as a Variant of Uncertain Significance. Algorithms developed to predict the effect of missense changes on protein structure and function (SIFT, PolyPhen-2, Align-GVGD) all suggest that this variant is likely to be tolerated, but these predictions have not been confirmed by published functional studies and their clinical significance is uncertain. This variant has not been reported in the literature in individuals with MEIS2-related conditions. This variant is present in population databases (rs375357305, ExAC 0.01%). This sequence change replaces glycine with arginine at codon 245 of the MEIS2 protein (p.Gly245Arg). The glycine residue is moderately conserved and there is a moderate physicochemical difference between glycine and arginine.

NM_170675.5(MEIS2):c.733G>A (p.Gly245Arg)

Gene: MEIS2 (Meis homeobox 2; minus strand). Cytogenetic location: 15q14.
Variant type: single nucleotide variant.
Coding change: c.733G>A on transcript NM_170675.5 (MANE Select); coding-DNA position 733, G replaced by A.
Protein change: p.Gly245Arg; replaces glycine 245 with arginine.
Molecular consequence: missense variant. On other transcripts: non-coding transcript variant (1).
Genome position (GRCh38, 1-based): chr15:37,083,792, C>T on the plus strand (G>A on the coding strand, the complement: MEIS2 is on the minus strand). VCF-style: chr15-37083792-C-T. GRCh37 (hg19) VCF-style: chr15-37375993-C-T.
Other names: c.733G>A, p.Gly245Arg (NM_001220482.2, NM_170674.5, NM_170676.5 and 1 more transcripts); c.694G>A, p.Gly232Arg (NM_002399.4, NM_172315.3); c.469G>A, p.Gly157Arg (NM_172316.3); short protein forms G157R, G232R, G245R.
Identifiers: ClinVar variation 1061333 (VCV001061333.8), dbSNP rs375357305, ClinGen allele CA7469305.
Genomic context (GRCh38, chr15:37,083,792, plus strand): 5'-CATGCCTACTTTGCACGAGGAAAATGTTTGACCTTTTACCTTGCTCACTGCTGTTGTCTC[C>T]GCTCTGGGAAGCATGGCCCCCACTGGAGGGCCCTGGGGTGCCTGCTGAGTGGGTTGAGGT-3'
Protein context (NP_733775.1, residues 235-255): PSSGGHASQS[Gly245Arg]DNSSEQGDGL